The following is an entry in ClinVar:

NM_000891.3(KCNJ2):c.1124G>A (p.Cys375Tyr)

Gene: KCNJ2 (potassium inwardly rectifying channel subfamily J member 2; plus strand). Cytogenetic location: 17q24.3.
Variant type: single nucleotide variant.
Coding change: c.1124G>A on transcript NM_000891.3 (MANE Select); coding-DNA position 1124, G replaced by A.
Protein change: p.Cys375Tyr; replaces cysteine 375 with tyrosine.
Molecular consequence: missense variant.
Genome position (GRCh38, 1-based): chr17:70,176,163, G>A. VCF-style: chr17-70176163-G-A. GRCh37 (hg19) VCF-style: chr17-68172304-G-A.
Other names: short protein forms C375Y.
Identifiers: ClinVar variation 4788008 (VCV004788008.1).

ClinVar aggregate classification (germline): Uncertain significance (1 of 4 stars; one submission).

Conditions:
Andersen Tawil syndrome (LQT7). Also called: ANDERSEN CARDIODYSRHYTHMIC PERIODIC PARALYSIS; LONG QT SYNDROME 7; PERIODIC PARALYSIS, POTASSIUM-SENSITIVE CARDIODYSRHYTHMIC TYPE; Andersen Syndrome; Potassium-sensitive periodic paralysis, ventricular ectopy, and dysmorphic features. Identifiers: Orphanet 37553, MedGen C1563715, MONDO:0008222, OMIM 170390.
Short QT syndrome type 3. Identifiers: Orphanet 51083, MedGen C1865018, MONDO:0012314, OMIM 609622.

Submission:

Labcorp Genetics (formerly Invitae), Labcorp
Classification: Uncertain significance for Short QT syndrome type 3; Andersen Tawil syndrome. Last evaluated: 2025-04-15. Review status: criteria provided, single submitter. Criteria: Invitae Variant Classification Sherloc (09022015). Collection method: clinical testing. Allele origin: germline.
Comment: This sequence change replaces cysteine, which is neutral and slightly polar, with tyrosine, which is neutral and polar, at codon 375 of the KCNJ2 protein (p.Cys375Tyr). This variant is not present in population databases (gnomAD no frequency). This variant has not been reported in the literature in individuals affected with KCNJ2-related conditions. Invitae Evidence Modeling of protein sequence and biophysical properties (such as structural, functional, and spatial information, amino acid conservation, physicochemical variation, residue mobility, and thermodynamic stability) has been performed for this missense variant. However, the output from this modeling did not meet the statistical confidence thresholds required to predict the impact of this variant on KCNJ2 protein function. In summary, the available evidence is currently insufficient to determine the role of this variant in disease. Therefore, it has been classified as a Variant of Uncertain Significance.